The following is an entry in ClinVar:

NM_000059.4(BRCA2):c.9258_9262del (p.Leu3087fs)

Gene: BRCA2 (BRCA2 DNA repair associated; plus strand). Cytogenetic location: 13q13.1.
Variant type: Deletion.
Coding change: c.9258_9262del on transcript NM_000059.4 (MANE Select); coding-DNA positions 9258 to 9262, 5 bases deleted (ACTTG; older notation c.9258_9262delACTTG).
Protein change: p.Leu3087fs; shifts the reading frame from leucine 3087.
Molecular consequence: frameshift variant. On other transcripts: non-coding transcript variant (1).
Genome position (GRCh38, 1-based): chr13:32,394,690-32,394,694, ACTTG deleted; deleting any 5 consecutive bases within chr13:32,394,689-32,394,694 gives the same sequence; the c. name uses the placement nearest the transcript's 3' end. VCF-style (leftmost placement, unchanged base first): chr13-32394688-GGACTT-G. GRCh37 (hg19) VCF-style: chr13-32968825-GGACTT-G.
Other names: c.9162_9166del, p.Leu3055fs (NM_001406719.1); c.9207_9211del, p.Leu3070fs (NM_001406720.1); c.4326_4330del, p.Leu1443fs (NM_001406721.1); c.2841_2845del, p.Leu948fs (NM_001406722.1); short protein forms L1443fs, L3055fs, L3070fs, L3087fs, L948fs.
Identifiers: ClinVar variation 2680272 (VCV002680272.3), dbSNP rs2548561932, ClinGen allele CA2695199693.

ClinVar aggregate classification (germline): Pathogenic/Likely pathogenic. Review status: criteria provided, multiple submitters, no conflicts (2 of 4 stars). 2 submissions from 2 submitters: Pathogenic (1); Likely pathogenic (1). Last evaluated 2024-03-20.

Conditions:
Hereditary breast ovarian cancer syndrome. Also called: Hereditary breast and ovarian cancer syndrome; Hereditary breast and ovarian cancer syndrome (HBOC); BRCA1- and BRCA2-Associated Hereditary Breast and Ovarian Cancer; Hereditary breast and ovarian cancer; Breast and ovarian cancer; Hereditary breast and/or ovarian cancer syndrome. Identifiers: Orphanet 145, MedGen C0677776, MeSH D061325, MONDO:0003582. Disease mechanism: loss of function.
Familial cancer of breast. Also called: hereditary breast carcinoma; BREAST CANCER, FAMILIAL; Hereditary breast cancer. Identifiers: Orphanet 227535, MedGen C0346153, MONDO:0016419, OMIM 114480. Disease mechanism: loss of function.

Submissions (2):

Labcorp Genetics (formerly Invitae), Labcorp
Classification: Pathogenic for Hereditary breast ovarian cancer syndrome. Last evaluated: 2024-03-20. Review status: criteria provided, single submitter. Criteria: Invitae Variant Classification Sherloc (09022015). Collection method: clinical testing. Allele origin: germline.
Comment: This sequence change creates a premature translational stop signal (p.Leu3087Profs*22) in the BRCA2 gene. It is expected to result in an absent or disrupted protein product. Loss-of-function variants in BRCA2 are known to be pathogenic (PMID: 20104584). This variant is not present in population databases (gnomAD no frequency). This variant has not been reported in the literature in individuals affected with BRCA2-related conditions. Algorithms developed to predict the effect of sequence changes on RNA splicing suggest that this variant may disrupt the consensus splice site. For these reasons, this variant has been classified as Pathogenic.

Baylor Genetics
Classification: Likely pathogenic for Familial cancer of breast. Last evaluated: 2023-05-25. Review status: criteria provided, single submitter. Criteria: ACMG Guidelines, 2015. Collection method: clinical testing. Allele origin: unknown.

Literature cited by the submitters: PubMed 20104584 (cited by Labcorp Genetics (formerly Invitae), Labcorp).